The following is an entry in ClinVar:

NM_000297.4(PKD2):c.1095-1G>T

Gene: PKD2 (polycystin 2, transient receptor potential cation channel; plus strand). Cytogenetic location: 4q22.1.
Variant type: single nucleotide variant.
Coding change: c.1095-1G>T on transcript NM_000297.4 (MANE Select); the canonical splice acceptor site of the intron before coding-DNA position 1095, G replaced by T.
Molecular consequence: splice acceptor variant.
Genome position (GRCh38, 1-based): chr4:88,043,232, G>T. VCF-style: chr4-88043232-G-T. GRCh37 (hg19) VCF-style: chr4-88964384-G-T.
Identifiers: ClinVar variation 2445831 (VCV002445831.1), dbSNP rs2475915207, ClinGen allele CA357615321.
Genomic context (GRCh38, chr4:88,043,232, plus strand): 5'-TAATTGCCTCAAGTGTTCCACTGATTGTAACTGTTTGTTTTTTGGTTTTGTTTTTAATCA[G>T]TTGGATCTACACAAGTGAAAAAGACTTGAATGGTAGTAGCCACTGGGGAATCATTGCAAC-3'

ClinVar aggregate classification (germline): Likely pathogenic (1 of 4 stars; one submission).

Conditions:
Polycystic kidney disease 2 (PKD2). Also called: Polycystic Kidney Disease 2, Autosomal Dominant; POLYCYSTIC KIDNEY DISEASE, ADULT, TYPE II; POLYCYSTIC KIDNEY DISEASE 2 WITH OR WITHOUT POLYCYSTIC LIVER DISEASE. Identifiers: MedGen C2751306, MONDO:0013131, OMIM 613095.

Submission:

Women's Health and Genetics/Laboratory Corporation of America, LabCorp
Classification: Likely pathogenic for Polycystic kidney disease 2. Last evaluated: 2023-02-14. Review status: criteria provided, single submitter. Criteria: LabCorp Variant Classification Summary - May 2015. Collection method: clinical testing. Allele origin: germline.
Comment: Variant summary: PKD2 c.1095-1G>T is located in a canonical splice-site and is predicted to affect mRNA splicing resulting in a significantly altered protein due to either exon skipping, shortening, or inclusion of intronic material. One in silico splicing tool predicts the variant to be possibly pathogenic (TraP). However, this prediction has not yet been confirmed by functional studies. The variant was absent in 247946 control chromosomes (gnomAD). To our knowledge, no occurrence of c.1095-1G>T in individuals affected with Polycystic Kidney Disease 2 and no experimental evidence demonstrating its impact on protein function have been reported. No clinical diagnostic laboratories have submitted clinical-significance assessments for this variant to ClinVar after 2014. Based on the evidence outlined above, the variant was classified as likely pathogenic.